The following is an entry in ClinVar:

NM_014875.3(KIF14):c.458A>G (p.Asn153Ser)

Gene: KIF14 (kinesin family member 14; minus strand). Cytogenetic location: 1q32.1.
Variant type: single nucleotide variant.
Coding change: c.458A>G on transcript NM_014875.3 (MANE Select); coding-DNA position 458, A replaced by G.
Protein change: p.Asn153Ser; replaces asparagine 153 with serine.
Molecular consequence: missense variant. On other transcripts: 5 prime UTR variant (1).
Genome position (GRCh38, 1-based): chr1:200,618,266, T>C on the plus strand (A>G on the coding strand, the complement: KIF14 is on the minus strand). VCF-style: chr1-200618266-T-C. GRCh37 (hg19) VCF-style: chr1-200587394-T-C.
Other names: c.-928A>G (NM_001305792.1); c.458A>G (NM_014875.2); short protein forms N153S.
Identifiers: ClinVar variation 1435624 (VCV001435624.7), dbSNP rs114754267, ClinGen allele CA1318025.

ClinVar aggregate classification (germline): Uncertain significance. Review status: criteria provided, multiple submitters, no conflicts (2 of 4 stars). 2 submissions from 2 submitters: Uncertain significance (2). Last evaluated 2025-06-03.

Conditions:
Inborn genetic diseases. Identifiers: MedGen C0950123, MeSH D030342.

Allele frequency attached by ClinVar (database versions not stated): gnomAD 0.00005; gnomAD exomes 0.00008 and 0.00005; TOPMed 0.00007; ExAC 0.00008; 1000 Genomes Project 0.00020; 1000 Genomes Project 30x 0.00031.
gnomAD v4.1: 84 of 1,613,804 alleles (0.0052%); highest among the groups gnomAD compares: Non-Finnish European, 0.0066%; no homozygotes.

Submissions (2):

Ambry Genetics
Classification: Uncertain significance for Inborn genetic diseases. Last evaluated: 2025-06-03. Review status: criteria provided, single submitter. Criteria: Ambry Variant Classification Scheme 2023. Collection method: clinical testing. Allele origin: germline.

Labcorp Genetics (formerly Invitae), Labcorp
Classification: Uncertain significance. Last evaluated: 2024-07-17. Review status: criteria provided, single submitter. Criteria: Invitae Variant Classification Sherloc (09022015). Collection method: clinical testing. Allele origin: germline.
Comment: This sequence change replaces asparagine, which is neutral and polar, with serine, which is neutral and polar, at codon 153 of the KIF14 protein (p.Asn153Ser). This variant is present in population databases (rs114754267, gnomAD 0.02%). This variant has not been reported in the literature in individuals affected with KIF14-related conditions. ClinVar contains an entry for this variant (Variation ID: 1435624). An algorithm developed to predict the effect of missense changes on protein structure and function outputs the following: PolyPhen-2: "Benign". The serine amino acid residue is found in multiple mammalian species, which suggests that this missense change does not adversely affect protein function. In summary, the available evidence is currently insufficient to determine the role of this variant in disease. Therefore, it has been classified as a Variant of Uncertain Significance.